The following is an entry in ClinVar:

ClinVar aggregate classification (germline): Benign. Review status: criteria provided, multiple submitters, no conflicts (2 of 4 stars). 2 submissions from 2 submitters: Benign (2). Last evaluated 2018-01-13.

Conditions:
Biotin-responsive basal ganglia disease (BTBGD). Also called: Thiamine Transporter-2 Deficiency; THIAMINE METABOLISM DYSFUNCTION SYNDROME 2 (BIOTIN- AND THIAMINE-RESPONSIVE TYPE); Thiamine metabolism dysfunction syndrome type 2; Thiamine metabolism dysfunction syndrome 2 (biotin- or thiamine-responsive encephalopathy type 2); thiamine-responsive encephalopathy. Identifiers: Orphanet 199348, Orphanet 65284, MedGen C1843807, MONDO:0011841, OMIM 607483.

Allele frequency attached by ClinVar (database versions not stated): gnomAD exomes 0.01091; gnomAD 0.07456 and 0.07952; TOPMed 0.08325; 1000 Genomes Project 0.08427; 1000 Genomes Project 30x 0.09525.
gnomAD v4.1: 11,667 of 190,408 alleles (6.1%); highest among the groups gnomAD compares: African/African-American, 24%; 1,192 homozygotes.

Submissions (2):

Illumina Laboratory Services, Illumina
Classification: Benign for Biotin-responsive basal ganglia disease. Last evaluated: 2018-01-13. Review status: criteria provided, single submitter. Criteria: ICSL Variant Classification Criteria 13 December 2019. Collection method: clinical testing. Allele origin: germline.
Comment: This variant was observed in the ICSL laboratory as part of a predisposition screen in an ostensibly healthy population. It had not been previously curated by ICSL or reported in the Human Gene Mutation Database (HGMD: prior to June 1st, 2018), and was therefore a candidate for classification through an automated scoring system. Utilizing variant allele frequency, disease prevalence and penetrance estimates, and inheritance mode, an automated score was calculated to assess if this variant is too frequent to cause the disease. Based on the score and internal cut-off values, a variant classified as benign is not then subjected to further curation. The score for this variant resulted in a classification of benign for this disease.

Breakthrough Genomics
Classification: Benign. Review status: criteria provided, single submitter. Criteria: ACMG Guidelines, 2015. Collection method: not provided. Allele origin: germline. Inheritance: Autosomal recessive inheritance. Affected: yes.

NM_025243.4(SLC19A3):c.*1000A>G

Gene: SLC19A3 (solute carrier family 19 member 3; minus strand). Cytogenetic location: 2q36.3.
Variant type: single nucleotide variant.
Coding change: c.*1000A>G on transcript NM_025243.4 (MANE Select); 1000 bases downstream of the stop codon, A replaced by G.
Molecular consequence: 3 prime UTR variant.
Genome position (GRCh38, 1-based): chr2:227,686,397, T>C on the plus strand (A>G on the coding strand, the complement: SLC19A3 is on the minus strand). VCF-style: chr2-227686397-T-C. GRCh37 (hg19) VCF-style: chr2-228551113-T-C.
Identifiers: ClinVar variation 334860 (VCV000334860.6), dbSNP rs111467219, ClinGen allele CA10613057.
Genomic context (GRCh38, chr2:227,686,397, plus strand): 5'-GGATGAGAGTCTTACTCTGTTGCCCAGGCTGGAGTGCAATGGTGCAATCATAGCTCACTG[T>C]AGCCTCTGACTCCTGTGCTCAACCCATCCTCCCACCATGGCCTCCCAAGTAGCTGAGACT-3'